The following is an entry in ClinVar:

NM_000384.3(APOB):c.4139_4140del (p.Thr1380fs)

Gene: APOB (apolipoprotein B; minus strand). Cytogenetic location: 2p24.1.
Variant type: Microsatellite.
Coding change: c.4139_4140del on transcript NM_000384.3 (MANE Select); coding-DNA positions 4139 to 4140, 2 bases deleted (CA; older notation c.4139_4140delCA).
Protein change: p.Thr1380fs; shifts the reading frame from threonine 1380.
Molecular consequence: frameshift variant.
Genome position (GRCh38, 1-based): chr2:21,013,236-21,013,237, TG deleted on the plus strand (CA on the coding strand, the reverse complement: APOB is on the minus strand); deleting any 2 consecutive bases within chr2:21,013,236-21,013,239 gives the same sequence; the c. name uses the placement nearest the transcript's 3' end. VCF-style (leftmost placement, unchanged base first): chr2-21013235-CTG-C. GRCh37 (hg19) VCF-style: chr2-21236107-CTG-C.
Other names: short protein forms T1380fs.
Identifiers: ClinVar variation 3076012 (VCV003076012.1), dbSNP rs2465380748, ClinGen allele CA913187890.
Genomic context (GRCh38, chr2:21,013,235, plus strand): 5'-AAAGCAGGTCAACCACAGAGTCAGCCTTCATGTGGTAACGAGCCCGAAGGCTGAAATGGT[CTG>C]TGCTGGTGTTGCCACCACTGTAGGAGGCGGACCAGTTGTACAAGTTGCTGTAGACATTCG-3'

ClinVar aggregate classification (germline): Likely pathogenic (1 of 4 stars; one submission).

Conditions:
Hypobetalipoproteinemia. Identifiers: Orphanet 31154, MedGen C0020597, MONDO:0017774.

Submission:

Laboratory for Molecular Medicine, Mass General Brigham Personalized Medicine
Classification: Likely pathogenic for Hypobetalipoproteinemia. Last evaluated: 2015-08-25. Review status: criteria provided, single submitter. Criteria: ACMG Guidelines, 2015. Collection method: clinical testing. Allele origin: germline. Inheritance: Autosomal dominant inheritance.
Comment: The p.Thr1380fs variant in APOB has not been previously reported in individuals with hypobetalipoproteinemia or in large population studies, though the ability of these studies to accurately detect indels may be limited. This frameshift variant is predicted to alter the protein’s amino acid sequence beginning at position 1380 and lead to a premature termination codon 14 amino acids downstream. This alteration is then predicted to lead to a truncated or absent protein. Heterozygous loss of function of the APOB gene is associated with familial hypobetalipoproteinemia (Welty 2014, Burnett 2015). In summary, although additional studies are required to fully establish its clinical significance, the p.Thr1380fs variant is likely pathogenic.

Literature cited by the submitters: PubMed 25335495; PubMed 24751931.